The following is an entry in ClinVar:

ClinVar aggregate classification (germline): Uncertain significance (1 of 4 stars; one submission).

Submission:

Labcorp Genetics (formerly Invitae), Labcorp
Classification: Uncertain significance. Last evaluated: 2025-01-13. Review status: criteria provided, single submitter. Criteria: Invitae Variant Classification Sherloc (09022015). Collection method: clinical testing. Allele origin: germline.
Comment: This sequence change replaces glycine, which is neutral and non-polar, with alanine, which is neutral and non-polar, at codon 256 of the AHR protein (p.Gly256Ala). This variant is not present in population databases (gnomAD no frequency). This variant has not been reported in the literature in individuals affected with AHR-related conditions. ClinVar contains an entry for this variant (Variation ID: 1973839). An algorithm developed to predict the effect of missense changes on protein structure and function (PolyPhen-2) suggests that this variant is likely to be disruptive. In summary, the available evidence is currently insufficient to determine the role of this variant in disease. Therefore, it has been classified as a Variant of Uncertain Significance.

NM_001621.5(AHR):c.767G>C (p.Gly256Ala)

Gene: AHR (aryl hydrocarbon receptor; plus strand). Cytogenetic location: 7p21.1.
Variant type: single nucleotide variant.
Coding change: c.767G>C on transcript NM_001621.5 (MANE Select); coding-DNA position 767, G replaced by C.
Protein change: p.Gly256Ala; replaces glycine 256 with alanine.
Molecular consequence: missense variant.
Genome position (GRCh38, 1-based): chr7:17,333,973, G>C. VCF-style: chr7-17333973-G-C. GRCh37 (hg19) VCF-style: chr7-17373597-G-C.
Other names: short protein forms G256A.
Identifiers: ClinVar variation 1973839 (VCV001973839.5), dbSNP rs2534440385, ClinGen allele CA366892068.